The following is an entry in ClinVar:

ClinVar aggregate classification (germline): Likely pathogenic (1 of 4 stars; one submission).

Submission:

Dasa
Classification: Likely pathogenic. Last evaluated: 2025-11-01. Review status: criteria provided, single submitter. Criteria: DASA Assertion Criteria. Collection method: clinical testing. Allele origin: germline.
Comment: NM_001080453.3(INTS1):c.5149C>T (p.Gln1717*) is a nonsense variant in INTS1 predicted to introduce a premature termination codon and is predicted to result in an absent or altered protein product. Loss of function is an established disease mechanism for INTS1-associated disorders. Also, this variant is absent from population databases. Based on the currently available evidence, this variant is classified as likely pathogenic.

NM_001080453.3(INTS1):c.5149C>T (p.Gln1717Ter)

Gene: INTS1 (integrator complex subunit 1; minus strand). Cytogenetic location: 7p22.3.
Variant type: single nucleotide variant.
Coding change: c.5149C>T on transcript NM_001080453.3 (MANE Select); coding-DNA position 5149, C replaced by T.
Protein change: p.Gln1717Ter; replaces glutamine 1717 with a stop codon.
Molecular consequence: nonsense.
Genome position (GRCh38, 1-based): chr7:1,476,572, G>A on the plus strand (C>T on the coding strand, the complement: INTS1 is on the minus strand). VCF-style: chr7-1476572-G-A. GRCh37 (hg19) VCF-style: chr7-1516208-G-A.
Other names: short protein forms Q1717*.
Identifiers: ClinVar variation 4886423 (VCV004886423.2).